The following is an entry in ClinVar:

ClinVar aggregate classification (germline): Pathogenic (1 of 4 stars; one submission).

Conditions:
Pulmonary fibrosis and/or bone marrow failure, Telomere-related, 3. Also called: PULMONARY FIBROSIS AND/OR BONE MARROW FAILURE SYNDROME, TELOMERE-RELATED, 3. Identifiers: Orphanet 2032, MedGen C4225346, MONDO:0014613, OMIM 616373.
Dyskeratosis congenita, autosomal recessive 5 (DKCB5). Identifiers: MedGen C3554656, MONDO:0014076, OMIM 615190.

Allele frequency attached by ClinVar (database versions not stated): gnomAD exomes below 0.00001.

Submission:

Labcorp Genetics (formerly Invitae), Labcorp
Classification: Pathogenic for Dyskeratosis congenita, autosomal recessive 5; Pulmonary fibrosis and/or bone marrow failure, Telomere-related, 3. Last evaluated: 2025-01-13. Review status: criteria provided, single submitter. Criteria: Invitae Variant Classification Sherloc (09022015). Collection method: clinical testing. Allele origin: germline.
Comment: This sequence change creates a premature translational stop signal (p.Ala1259Leufs*2) in the RTEL1 gene. While this is not anticipated to result in nonsense mediated decay, it is expected to disrupt the last 42 amino acid(s) of the RTEL1 protein. This variant is not present in population databases (gnomAD no frequency). This premature translational stop signal has been observed in individual(s) with dyskeratosis congenita (PMID: 30523342). ClinVar contains an entry for this variant (Variation ID: 1453392). This variant disrupts a region of the RTEL1 protein in which other variant(s) (p.Arg1264His) have been determined to be pathogenic (PMID: 23453664, 24009516, 25047097, 25099625, 25620558, 26025130). This suggests that this is a clinically significant region of the protein, and that variants that disrupt it are likely to be disease-causing. For these reasons, this variant has been classified as Pathogenic.

Literature cited by the submitters: PubMed 30523342; PubMed 23453664; PubMed 24009516; PubMed 25047097; PubMed 25099625; PubMed 25620558; PubMed 26025130.

NM_001283009.2(RTEL1):c.3775_3776del (p.Ala1259fs)

Genes: RTEL1-TNFRSF6B (RTEL1-TNFRSF6B readthrough (NMD candidate); plus strand), RTEL1 (regulator of telomere elongation helicase 1; plus strand). Cytogenetic location: 20q13.33.
Variant type: Deletion.
Coding change: c.3775_3776del on transcript NM_001283009.2 (MANE Select); coding-DNA positions 3775 to 3776, 2 bases deleted (GC; older notation c.3775_3776delGC).
Protein change: p.Ala1259fs; shifts the reading frame from alanine 1259.
Molecular consequence: frameshift variant. On other transcripts: non-coding transcript variant (1), intron variant (3).
Genome position (GRCh38, 1-based): chr20:63,695,603-63,695,604, GC deleted. VCF-style (leftmost placement, unchanged base first): chr20-63695602-TGC-T. GRCh37 (hg19) VCF-style: chr20-62326955-TGC-T.
Other names: c.2983+123_2983+124del (NM_001283010.1); c.3724+123_3724+124del (NM_032957.5); c.3652+123_3652+124del (NM_016434.4); short protein forms A1259fs.
Identifiers: ClinVar variation 1453392 (VCV001453392.11), dbSNP rs2145480909, ClinGen allele CA2573157237.
Genomic context (GRCh38, chr20:63,695,602, plus strand): 5'-CTCAGCAGGCTGTGTGTGCCAGGGCTGTGGGGCAGAGGACGTGGTGCCCTTCCAGTGCCC[TGC>T]CTGTGACTTCCAGCGCTGCCAAGCCTGCTGGCAACGGCACCTTCAGGTTGGTGCCTGGCC-3'